The following is an entry in ClinVar:

ClinVar aggregate classification (germline): Likely benign (1 of 4 stars; one submission).

gnomAD v4.1: 956 of 1,613,876 alleles (0.059%); highest among the groups gnomAD compares: Non-Finnish European, 0.077%; 3 homozygotes.

Submission:

CeGaT Center for Human Genetics Tuebingen
Classification: Likely benign. Last evaluated: 2025-11-01. Review status: criteria provided, single submitter. Criteria: CeGaT Center For Human Genetics Tuebingen Variant Classification Criteria Version 2. Collection method: clinical testing. Allele origin: germline. Affected: yes. Observed: 1 variant allele.
Comment: TNR: BP4, BP7

NM_003285.3(TNR):c.3936C>T (p.Tyr1312=)

Gene: TNR (tenascin R; minus strand). Cytogenetic location: 1q25.1.
Variant type: single nucleotide variant.
Coding change: c.3936C>T on transcript NM_003285.3 (MANE Select); coding-DNA position 3936, C replaced by T.
Protein change: p.Tyr1312=; no amino-acid change (tyrosine 1312 retained).
Molecular consequence: synonymous variant.
Genome position (GRCh38, 1-based): chr1:175,324,377, G>A on the plus strand (C>T on the coding strand, the complement: TNR is on the minus strand). VCF-style: chr1-175324377-G-A. GRCh37 (hg19) VCF-style: chr1-175293513-G-A.
Other names: c.2937C>T, p.Tyr979= (NM_001328635.2).
Identifiers: ClinVar variation 4533680 (VCV004533680.6).